The following is an entry in ClinVar:

NM_004870.3(MPDU1):c.-34G>A

Genes: MPDU1-AS1 (MPDU1 antisense RNA 1; minus strand), MPDU1 (mannose-P-dolichol utilization defect 1; plus strand). Cytogenetic location: 17p13.1.
Variant type: single nucleotide variant.
Coding change: c.-34G>A on transcript NM_004870.3; 34 bases upstream of the start codon, G replaced by A.
Molecular consequence: 5 prime UTR variant (on NM_001330073.1). On other transcripts: non-coding transcript variant (1).
Genome position (GRCh38, 1-based): chr17:7,583,829, G>A. VCF-style: chr17-7583829-G-A. GRCh37 (hg19) VCF-style: chr17-7487147-G-A.
Other names: c.-34G>A (NM_001330073.1).
Identifiers: ClinVar variation 382610 (VCV000382610.3), dbSNP rs781757136, ClinGen allele CA8352787.

ClinVar aggregate classification (germline): Likely benign (1 of 4 stars; one submission).

Allele frequency attached by ClinVar (database versions not stated): ExAC 0.00001; gnomAD 0.00001; TOPMed 0.00001; gnomAD exomes 0.00002.
gnomAD v4.1: 24 of 1,607,230 alleles (0.0015%); highest among the groups gnomAD compares: Middle Eastern, 0.033%; no homozygotes.

Submission:

GeneDx
Classification: Likely benign. Last evaluated: 2016-02-11. Review status: criteria provided, single submitter. Criteria: GeneDx Variant Classification (06012015). Collection method: clinical testing. Allele origin: germline. Affected: yes.
Comment: This variant is considered likely benign or benign based on one or more of the following criteria: it is a conservative change, it occurs at a poorly conserved position in the protein, it is predicted to be benign by multiple in silico algorithms, and/or has population frequency not consistent with disease.